The following is an entry in ClinVar:

NM_005884.5(PAK4):c.159C>T (p.Leu53=)

Gene: PAK4 (p21 (RAC1) activated kinase 4; plus strand). Cytogenetic location: 19q13.2.
Variant type: single nucleotide variant.
Coding change: c.159C>T on transcript NM_005884.5 (MANE Select); coding-DNA position 159, C replaced by T.
Protein change: p.Leu53=; no amino-acid change (leucine 53 retained).
Molecular consequence: synonymous variant.
Genome position (GRCh38, 1-based): chr19:39,169,712, C>T. VCF-style: chr19-39169712-C-T. GRCh37 (hg19) VCF-style: chr19-39660352-C-T.
Other names: c.159C>T, p.Leu53= (NM_001014831.3, NM_001014832.2, NM_001014834.3 and 2 more transcripts).
Identifiers: ClinVar variation 4822232 (VCV004822232.4).

ClinVar aggregate classification (germline): Likely benign (1 of 4 stars; one submission).

gnomAD v4.1: 47 of 1,610,850 alleles (0.0029%); highest among the groups gnomAD compares: African/African-American, 0.012%; no homozygotes.

Submission:

CeGaT Center for Human Genetics Tuebingen
Classification: Likely benign. Last evaluated: 2026-01-01. Review status: criteria provided, single submitter. Criteria: CeGaT Center For Human Genetics Tuebingen Variant Classification Criteria Version 2. Collection method: clinical testing. Allele origin: germline. Affected: yes. Observed: 1 variant allele.
Comment: PAK4: BP4, BP7